The following is an entry in ClinVar:

NM_001323289.2(CDKL5):c.1850G>A (p.Arg617His)

Gene: CDKL5 (cyclin dependent kinase like 5; plus strand). Cytogenetic location: Xp22.13.
Variant type: single nucleotide variant.
Coding change: c.1850G>A on transcript NM_001323289.2 (MANE Select); coding-DNA position 1850, G replaced by A.
Protein change: p.Arg617His; replaces arginine 617 with histidine.
Molecular consequence: missense variant.
Genome position (GRCh38, 1-based): chrX:18,604,774, G>A. VCF-style: chrX-18604774-G-A. GRCh37 (hg19) VCF-style: chrX-18622894-G-A.
Other names: c.1850G>A, p.Arg617His (NM_001037343.2, NM_003159.3); short protein forms R617H.
Identifiers: ClinVar variation 1711701 (VCV001711701.30), dbSNP rs2147161251, ClinGen allele CA412363246.

ClinVar aggregate classification (germline): Uncertain significance (1 of 4 stars; one submission).

Allele frequency attached by ClinVar (database versions not stated): gnomAD exomes below 0.00001.
gnomAD v4.1: 1 of 1,211,383 alleles (0.000083%); highest among the groups gnomAD compares: Non-Finnish European, 0.00011%; no homozygotes.

Submission:

CeGaT Center for Human Genetics Tuebingen
Classification: Uncertain significance. Last evaluated: 2022-08-01. Review status: criteria provided, single submitter. Criteria: CeGaT Center For Human Genetics Tuebingen Variant Classification Criteria Version 2. Collection method: clinical testing. Allele origin: germline. Affected: yes. Observed: 1 variant allele.
Comment: CDKL5: PM2